The following is an entry in ClinVar:

ClinVar aggregate classification (germline): Likely benign (1 of 4 stars; one submission).

Conditions:
DPYD-related disorder. Also called: DPYD-related condition.

Submission:

PreventionGenetics, part of Exact Sciences
Classification: Likely benign for DPYD-related condition. Last evaluated: 2026-04-20. Review status: criteria provided, single submitter. Criteria: ACMG Guidelines, 2015. Collection method: clinical testing. Allele origin: germline.
Comment: This variant is classified as likely benign based on ACMG/AMP sequence variant interpretation guidelines (Richards et al. 2015 PMID: 25741868, with internal and published modifications).

NM_000110.4(DPYD):c.2179+8C>G

Genes: DPYD (dihydropyrimidine dehydrogenase; minus strand), DPYD-AS1 (DPYD antisense RNA 1; plus strand). Cytogenetic location: 1p21.3.
Variant type: single nucleotide variant.
Coding change: c.2179+8C>G on transcript NM_000110.4 (MANE Select); 8 bases into the intron after coding-DNA position 2179, C replaced by G.
Molecular consequence: intron variant.
Genome position (GRCh38, 1-based): chr1:97,306,169, G>C on the plus strand (C>G on the coding strand, the complement: DPYD is on the minus strand). VCF-style: chr1-97306169-G-C. GRCh37 (hg19) VCF-style: chr1-97771725-G-C.
Identifiers: ClinVar variation 4991649 (VCV004991649.1).
Genomic context (GRCh38, chr1:97,306,169, plus strand): 5'-TGAGTATGGCTACATAATGTGGGCCAATATTTACAATAGCGGGCAACTGATTCAAGTCAA[G>C]TTCTTACCTTCCTTTGCAGCTCTTGCGATGCTCACAATATCAGTGACATTTGGGGTCAGC-3'